The following is an entry in ClinVar:

ClinVar aggregate classification (germline): Benign (0 of 4 stars; one submission).

Conditions:
PRR12-related disorder. Also called: PRR12-related condition.

Allele frequency attached by ClinVar (database versions not stated): 1000 Genomes Project 0.00639; ExAC 0.01295; ESP Exome Variant Server 0.01625; TOPMed 0.01770; gnomAD 0.01954; gnomAD exomes 0.02532.
gnomAD v4.1: 37,752 of 1,536,708 alleles (2.5%); highest among the groups gnomAD compares: Non-Finnish European, 2.8%; 598 homozygotes.

Submission:

PreventionGenetics, part of Exact Sciences
Classification: Benign for PRR12-related condition. Last evaluated: 2019-03-12. Review status: no assertion criteria provided. Collection method: clinical testing. Allele origin: germline.
Comment: This variant is classified as benign based on ACMG/AMP sequence variant interpretation guidelines (Richards et al. 2015 PMID: 25741868, with internal and published modifications).

NM_020719.3(PRR12):c.4495C>T (p.Pro1499Ser)

Gene: PRR12 (proline rich 12; plus strand). Cytogenetic location: 19q13.33.
Variant type: single nucleotide variant.
Coding change: c.4495C>T on transcript NM_020719.3 (MANE Select); coding-DNA position 4495, C replaced by T.
Protein change: p.Pro1499Ser; replaces proline 1499 with serine.
Molecular consequence: missense variant.
Genome position (GRCh38, 1-based): chr19:49,601,640, C>T. VCF-style: chr19-49601640-C-T. GRCh37 (hg19) VCF-style: chr19-50104897-C-T.
Other names: short protein forms P1499S.
Identifiers: ClinVar variation 3037909 (VCV003037909.2), dbSNP rs189937355, ClinGen allele CA9578500.
Genomic context (GRCh38, chr19:49,601,640, plus strand): 5'-CAGCCAGCCCTGCCCTCGCCACCCCCGCTGGTGGCCCCCACGCCCAGCTCACCACCGCCA[C>T]CGCCGCTGCCGCCGCCACCTCCACCAGCCATGCCCTCGCCTCCACCACCACCCCCACCAG-3'
Protein context (NP_065770.1, residues 1489-1509): VAPTPSSPPP[Pro1499Ser]PLPPPPPPAM